The following is an entry in ClinVar:

ClinVar aggregate classification (germline): Uncertain significance (1 of 4 stars; one submission).

Conditions:
LAMA2-related muscular dystrophy (LAMA2-RD). Also called: Laminin alpha 2-related dystrophy. Identifiers: MedGen C5679788, MONDO:0100228.

Submission:

Labcorp Genetics (formerly Invitae), Labcorp
Classification: Uncertain significance for LAMA2-related muscular dystrophy. Last evaluated: 2022-08-23. Review status: criteria provided, single submitter. Criteria: Invitae Variant Classification Sherloc (09022015). Collection method: clinical testing. Allele origin: germline.
Comment: This sequence change replaces glycine, which is neutral and non-polar, with alanine, which is neutral and non-polar, at codon 2633 of the LAMA2 protein (p.Gly2633Ala). This variant also falls at the last nucleotide of exon 56, which is part of the consensus splice site for this exon. This variant is not present in population databases (gnomAD no frequency). This missense change has been observed in individual(s) with congenital muscular dystrophy (PMID: 24611677). In at least one individual the data is consistent with being in trans (on the opposite chromosome) from a pathogenic variant. ClinVar contains an entry for this variant (Variation ID: 1055882). Algorithms developed to predict the effect of missense changes on protein structure and function are either unavailable or do not agree on the potential impact of this missense change (SIFT: "Tolerated"; PolyPhen-2: "Possibly Damaging"; Align-GVGD: "Class C0"). Variants that disrupt the consensus splice site are a relatively common cause of aberrant splicing (PMID: 17576681, 9536098). Algorithms developed to predict the effect of sequence changes on RNA splicing suggest that this variant may disrupt the consensus splice site. In summary, the available evidence is currently insufficient to determine the role of this variant in disease. Therefore, it has been classified as a Variant of Uncertain Significance.

Literature cited by the submitters: PubMed 24611677; PubMed 17576681; PubMed 9536098.

NM_000426.4(LAMA2):c.7898G>C (p.Gly2633Ala)

Gene: LAMA2 (laminin subunit alpha 2; plus strand). Cytogenetic location: 6q22.33.
Variant type: single nucleotide variant.
Coding change: c.7898G>C on transcript NM_000426.4 (MANE Select); coding-DNA position 7898, G replaced by C.
Protein change: p.Gly2633Ala; replaces glycine 2633 with alanine.
Molecular consequence: missense variant.
Genome position (GRCh38, 1-based): chr6:129,486,622, G>C. VCF-style: chr6-129486622-G-C. GRCh37 (hg19) VCF-style: chr6-129807767-G-C.
Other names: c.7886G>C, p.Gly2629Ala (NM_001079823.2); short protein forms G2629A, G2633A.
Identifiers: ClinVar variation 1055882 (VCV001055882.7), dbSNP rs2114849222, ClinGen allele CA365629583.